The following is an entry in ClinVar:

NM_006420.3(ARFGEF2):c.1947C>T (p.His649=)

Gene: ARFGEF2 (ARF guanine nucleotide exchange factor 2; plus strand). Cytogenetic location: 20q13.13.
Variant type: single nucleotide variant.
Coding change: c.1947C>T on transcript NM_006420.3 (MANE Select); coding-DNA position 1947, C replaced by T.
Protein change: p.His649=; no amino-acid change (histidine 649 retained).
Molecular consequence: synonymous variant.
Genome position (GRCh38, 1-based): chr20:48,976,188, C>T. VCF-style: chr20-48976188-C-T. GRCh37 (hg19) VCF-style: chr20-47592725-C-T.
Identifiers: ClinVar variation 1200812 (VCV001200812.15), dbSNP rs140520386, ClinGen allele CA9898510.

ClinVar aggregate classification (germline): Likely benign. Review status: criteria provided, multiple submitters, no conflicts (2 of 4 stars). 4 submissions from 4 submitters: Likely benign (3). 1 of the submissions does not count toward it. Last evaluated 2025-07-31.

Conditions:
ARFGEF2-related disorder. Also called: ARFGEF2-related condition.
Periventricular heterotopia with microcephaly, autosomal recessive (ARPHM). Also called: Periventricular heterotopia with microcephaly; PERIVENTRICULAR NODULAR HETEROTOPIA 2. Identifiers: Orphanet 2149, MedGen C1842563, MONDO:0011966, OMIM 608097.

Allele frequency attached by ClinVar (database versions not stated): gnomAD exomes 0.00008 and 0.00019; ExAC 0.00024; TOPMed 0.00058; gnomAD 0.00066 and 0.00068; 1000 Genomes Project 30x 0.00094; ESP Exome Variant Server 0.00100; 1000 Genomes Project 0.00120.
gnomAD v4.1: 228 of 1,613,974 alleles (0.014%); highest among the groups gnomAD compares: African/African-American, 0.21%; no homozygotes.

Submissions (4):

Labcorp Genetics (formerly Invitae), Labcorp
Classification: Likely benign. Last evaluated: 2025-07-31. Review status: criteria provided, single submitter. Criteria: Invitae Variant Classification Sherloc (09022015). Collection method: clinical testing. Allele origin: germline.

ARUP Laboratories, Molecular Genetics and Genomics, ARUP Laboratories
Classification: Likely benign for Periventricular heterotopia with microcephaly, autosomal recessive. Last evaluated: 2024-10-11. Review status: criteria provided, single submitter. Criteria: ARUP Molecular Germline Variant Investigation Process 2024. Collection method: clinical testing. Allele origin: germline.

GeneDx
Classification: Likely benign. Last evaluated: 2020-05-07. Review status: criteria provided, single submitter. Criteria: GeneDx Variant Classification Process June 2021. Collection method: clinical testing. Allele origin: germline. Affected: yes.

PreventionGenetics, part of Exact Sciences
Classification: Likely benign for ARFGEF2-related condition. Last evaluated: 2024-01-03. Review status: no assertion criteria provided. Collection method: clinical testing. Allele origin: germline. Not counted in ClinVar's aggregate classification.
Comment: This variant is classified as likely benign based on ACMG/AMP sequence variant interpretation guidelines (Richards et al. 2015 PMID: 25741868, with internal and published modifications).